The following is an entry in ClinVar:

ClinVar aggregate classification (germline): Uncertain significance (1 of 4 stars; one submission).

Submission:

Labcorp Genetics (formerly Invitae), Labcorp
Classification: Uncertain significance. Last evaluated: 2021-09-11. Review status: criteria provided, single submitter. Criteria: Invitae Variant Classification Sherloc (09022015). Collection method: clinical testing. Allele origin: germline.
Comment: This sequence change replaces aspartic acid with asparagine at codon 1626 of the LRP2 protein (p.Asp1626Asn). The aspartic acid residue is highly conserved and there is a small physicochemical difference between aspartic acid and asparagine. The frequency data for this variant in the population databases is not available, as this variant may be reported as separate entries in the ExAC database. This variant has not been reported in the literature in individuals affected with LRP2-related conditions. Experimental studies and prediction algorithms are not available or were not evaluated, and the functional significance of this variant is currently unknown. In summary, the available evidence is currently insufficient to determine the role of this variant in disease. Therefore, it has been classified as a Variant of Uncertain Significance.

NM_004525.3(LRP2):c.4875_4876inv (p.Asp1626Asn)

Gene: LRP2 (LDL receptor related protein 2; minus strand). Cytogenetic location: 2q31.1.
Variant type: Inversion.
Coding change: c.4875_4876inv on transcript NM_004525.3 (MANE Select).
Protein change: p.Asp1626Asn; replaces aspartic acid 1626 with asparagine.
Molecular consequence: missense variant.
Genome position: GRCh38 VCF-style: chr2-169235884-CA-TG. GRCh37 (hg19) VCF-style: chr2-170092394-CA-TG.
Other names: short protein forms D1626N.
Identifiers: ClinVar variation 1496427 (VCV001496427.3), ClinGen allele CA2573134210.